The following is an entry in ClinVar:

ClinVar aggregate classification (germline): Uncertain significance. Review status: criteria provided, multiple submitters, no conflicts (2 of 4 stars). 2 submissions from 2 submitters: Uncertain significance (2). Last evaluated 2024-08-30.

Allele frequency attached by ClinVar (database versions not stated): gnomAD 0.00001; gnomAD exomes 0.00001 and 0.00003; ExAC 0.00002; TOPMed 0.00002.

Submissions (2):

Athena Diagnostics
Classification: Uncertain significance. Last evaluated: 2024-08-30. Review status: criteria provided, single submitter. Criteria: Athena Diagnostics Criteria. Collection method: clinical testing. Allele origin: unknown.
Comment: Available data are insufficient to determine the clinical significance of the variant at this time. The frequency of this variant in the general population is uninformative in assessment of its pathogenicity. Polyphen and MutationTaster predict this amino acid change may be benign.

Eurofins Ntd Llc (ga)
Classification: Uncertain significance. Last evaluated: 2018-08-10. Review status: criteria provided, single submitter. Criteria: EGL ClinVar v180209 classification definitions. Collection method: clinical testing. Allele origin: germline. Observed: 1 variant allele, 1 heterozygote.

Literature cited by the submitters: PubMed 30531895 (cited by Athena Diagnostics).

NM_001267550.2(TTN):c.16555A>T (p.Thr5519Ser)

Gene: TTN (titin; minus strand). Cytogenetic location: 2q31.2.
Variant type: single nucleotide variant.
Coding change: c.16555A>T on transcript NM_001267550.2 (MANE Select); coding-DNA position 16555, A replaced by T.
Protein change: p.Thr5519Ser; replaces threonine 5519 with serine.
Molecular consequence: missense variant. On other transcripts: intron variant (3).
Genome position (GRCh38, 1-based): chr2:178,732,506, T>A on the plus strand (A>T on the coding strand, the complement: TTN is on the minus strand). VCF-style: chr2-178732506-T-A. GRCh37 (hg19) VCF-style: chr2-179597233-T-A.
Other names: c.15604A>T, p.Thr5202Ser (NM_001256850.1); c.12823A>T, p.Thr4275Ser (NM_133378.4); c.13282+5576A>T (NM_003319.4); c.13858+5576A>T (NM_133437.4); c.13657+5576A>T (NM_133432.3); c.16555A>T (NM_001267550.1); short protein forms T4275S, T5519S, T5202S.
Identifiers: ClinVar variation 598293 (VCV000598293.6), dbSNP rs756756873, ClinGen allele CA2002021.